The following is an entry in ClinVar:

NM_001083614.2(EARS2):c.878T>C (p.Phe293Ser)

Gene: EARS2 (glutamyl-tRNA synthetase 2, mitochondrial; minus strand). Cytogenetic location: 16p12.2.
Variant type: single nucleotide variant.
Coding change: c.878T>C on transcript NM_001083614.2 (MANE Select); coding-DNA position 878, T replaced by C.
Protein change: p.Phe293Ser; replaces phenylalanine 293 with serine.
Molecular consequence: missense variant. On other transcripts: non-coding transcript variant (1).
Genome position (GRCh38, 1-based): chr16:23,534,968, A>G on the plus strand (T>C on the coding strand, the complement: EARS2 is on the minus strand). VCF-style: chr16-23534968-A-G. GRCh37 (hg19) VCF-style: chr16-23546289-A-G.
Other names: c.878T>C, p.Phe293Ser (NM_001308211.1); short protein forms F293S.
Identifiers: ClinVar variation 1204048 (VCV001204048.9), dbSNP rs201279526, ClinGen allele CA7962486.

ClinVar aggregate classification (germline): Conflicting classifications of pathogenicity. Review status: criteria provided, conflicting classifications (1 of 4 stars). 3 submissions from 3 submitters: Uncertain significance (2); Likely benign (1). Last evaluated 2025-08-13.

Conditions:
Inborn genetic diseases. Identifiers: MedGen C0950123, MeSH D030342.

Allele frequency attached by ClinVar (database versions not stated): gnomAD exomes 0.00003 and 0.00007; ExAC 0.00007; 1000 Genomes Project 30x 0.00016; 1000 Genomes Project 0.00020; TOPMed 0.00022; ESP Exome Variant Server 0.00024; gnomAD 0.00029 and 0.00030.
gnomAD v4.1: 99 of 1,611,748 alleles (0.0061%); highest among the groups gnomAD compares: African/African-American, 0.11%; no homozygotes.

Submissions (3):

Ambry Genetics
Classification: Uncertain significance for Inborn genetic diseases. Last evaluated: 2025-08-13. Review status: criteria provided, single submitter. Criteria: Ambry Variant Classification Scheme 2023. Collection method: clinical testing. Allele origin: germline.

Labcorp Genetics (formerly Invitae), Labcorp
Classification: Likely benign. Last evaluated: 2024-10-11. Review status: criteria provided, single submitter. Criteria: Invitae Variant Classification Sherloc (09022015). Collection method: clinical testing. Allele origin: germline.

GeneDx
Classification: Uncertain significance. Last evaluated: 2023-05-05. Review status: criteria provided, single submitter. Criteria: GeneDx Variant Classification Process June 2021. Collection method: clinical testing. Allele origin: germline. Affected: yes.
Comment: Has not been previously published as pathogenic or benign to our knowledge; In silico analysis supports that this missense variant does not alter protein structure/function